The following is an entry in ClinVar:

ClinVar aggregate classification (germline): Uncertain significance. Review status: criteria provided, multiple submitters, no conflicts (2 of 4 stars). 2 submissions from 2 submitters: Uncertain significance (2). Last evaluated 2024-10-06.

Conditions:
Hereditary cancer-predisposing syndrome. Also called: Neoplastic Syndromes, Hereditary; Tumor predisposition; Hereditary neoplastic syndrome; Hereditary Cancer Syndrome. Identifiers: Orphanet 140162, MedGen C0027672, MeSH D009386, MONDO:0015356.

Submissions (2):

Labcorp Genetics (formerly Invitae), Labcorp
Classification: Uncertain significance. Last evaluated: 2024-10-06. Review status: criteria provided, single submitter. Criteria: Invitae Variant Classification Sherloc (09022015). Collection method: clinical testing. Allele origin: germline.
Comment: This sequence change replaces arginine, which is basic and polar, with leucine, which is neutral and non-polar, at codon 1879 of the POLE protein (p.Arg1879Leu). This variant is not present in population databases (gnomAD no frequency). This variant has not been reported in the literature in individuals affected with POLE-related conditions. Invitae Evidence Modeling of protein sequence and biophysical properties (such as structural, functional, and spatial information, amino acid conservation, physicochemical variation, residue mobility, and thermodynamic stability) indicates that this missense variant is not expected to disrupt POLE protein function with a negative predictive value of 80%. In summary, the available evidence is currently insufficient to determine the role of this variant in disease. Therefore, it has been classified as a Variant of Uncertain Significance.

Ambry Genetics
Classification: Uncertain significance for Hereditary cancer-predisposing syndrome. Last evaluated: 2023-10-20. Review status: criteria provided, single submitter. Criteria: Ambry Variant Classification Scheme 2023. Collection method: clinical testing. Allele origin: germline.
Comment: The p.R1879L variant (also known as c.5636G>T), located in coding exon 41 of the POLE gene, results from a G to T substitution at nucleotide position 5636. The arginine at codon 1879 is replaced by leucine, an amino acid with dissimilar properties. This amino acid position is conserved. In addition, this alteration is predicted to be tolerated by in silico analysis. Since supporting evidence is limited at this time, the clinical significance of this alteration remains unclear.

NM_006231.4(POLE):c.5636G>T (p.Arg1879Leu)

Gene: POLE (DNA polymerase epsilon, catalytic subunit; minus strand). Cytogenetic location: 12q24.33.
Variant type: single nucleotide variant.
Coding change: c.5636G>T on transcript NM_006231.4 (MANE Select); coding-DNA position 5636, G replaced by T.
Protein change: p.Arg1879Leu; replaces arginine 1879 with leucine.
Molecular consequence: missense variant.
Genome position (GRCh38, 1-based): chr12:132,638,056, C>A on the plus strand (G>T on the coding strand, the complement: POLE is on the minus strand). VCF-style: chr12-132638056-C-A. GRCh37 (hg19) VCF-style: chr12-133214642-C-A.
Other names: short protein forms R1879L.
Identifiers: ClinVar variation 3225487 (VCV003225487.3), dbSNP rs145621558, ClinGen allele CA387374032.